The following is an entry in ClinVar:

ClinVar aggregate classification (germline): Likely benign. Review status: criteria provided, single submitter (1 of 4 stars). 2 submissions from 2 submitters: Likely benign (1). 1 of the submissions does not count toward it. Last evaluated 2026-09-01.

Conditions:
CUX2-related disorder. Also called: CUX2-related condition.

Allele frequency attached by ClinVar (database versions not stated): gnomAD exomes 0.00004; ExAC 0.00019; gnomAD 0.00052; TOPMed 0.00058; 1000 Genomes Project 0.00060; ESP Exome Variant Server 0.00071; 1000 Genomes Project 30x 0.00078.
gnomAD v4.1: 144 of 1,613,844 alleles (0.0089%); highest among the groups gnomAD compares: African/African-American, 0.16%; no homozygotes.

Submissions (2):

CeGaT Center for Human Genetics Tuebingen
Classification: Likely benign. Last evaluated: 2026-09-01. Review status: criteria provided, single submitter. Criteria: CeGaT Center For Human Genetics Tuebingen Variant Classification Criteria Version 2. Collection method: clinical testing. Allele origin: germline. Affected: yes. Observed: 1 variant allele.
Comment: CUX2: BP4, BP7, BS1

PreventionGenetics, part of Exact Sciences
Classification: Likely benign for CUX2-related condition. Last evaluated: 2024-03-12. Review status: no assertion criteria provided. Collection method: clinical testing. Allele origin: germline. Not counted in ClinVar's aggregate classification.
Comment: This variant is classified as likely benign based on ACMG/AMP sequence variant interpretation guidelines (Richards et al. 2015 PMID: 25741868, with internal and published modifications).

NM_015267.4(CUX2):c.1692G>A (p.Glu564=)

Gene: CUX2 (cut like homeobox 2; plus strand). Cytogenetic location: 12q24.12.
Variant type: single nucleotide variant.
Coding change: c.1692G>A on transcript NM_015267.4 (MANE Select); coding-DNA position 1692, G replaced by A.
Protein change: p.Glu564=; no amino-acid change (glutamic acid 564 retained).
Molecular consequence: synonymous variant.
Genome position (GRCh38, 1-based): chr12:111,310,474, G>A. VCF-style: chr12-111310474-G-A. GRCh37 (hg19) VCF-style: chr12-111748278-G-A.
Other names: c.1506G>A, p.Glu502= (NM_001370598.1).
Identifiers: ClinVar variation 3042279 (VCV003042279.3), dbSNP rs373544048, ClinGen allele CA6788712.
Genomic context (GRCh38, chr12:111,310,474, plus strand): 5'-GGGGCCCGGGGCAGAGGAGGAGCAGCTGGACACGGCAGAGATCGCCTTCCAGGTGAAGGA[G>A]CAGCTGCTGAAACACAACATCGGGCAGCGGGTGTTTGGGCATTACGTGCTGGGGCTGTCG-3'
Protein context (NP_056082.2, residues 554-574): DTAEIAFQVK[Glu564=]QLLKHNIGQR